The following is an entry in ClinVar:

NM_001267550.2(TTN):c.87004_87005del (p.Val29002fs)

Genes: TTN-AS1 (TTN antisense RNA 1; plus strand), TTN (titin; minus strand). Cytogenetic location: 2q31.2.
Variant type: Deletion.
Coding change: c.87004_87005del on transcript NM_001267550.2 (MANE Select); coding-DNA positions 87004 to 87005, 2 bases deleted (GT; older notation c.87004_87005delGT).
Protein change: p.Val29002fs; shifts the reading frame from valine 29002.
Molecular consequence: frameshift variant.
Genome position (GRCh38, 1-based): chr2:178,558,454-178,558,455, AC deleted on the plus strand (GT on the coding strand, the reverse complement: TTN is on the minus strand); deleting any 2 consecutive bases within chr2:178,558,454-178,558,456 gives the same sequence; the c. name uses the placement nearest the transcript's 3' end. VCF-style (leftmost placement, unchanged base first): chr2-178558453-AAC-A. GRCh37 (hg19) VCF-style: chr2-179423180-AAC-A.
Other names: c.82081_82082del, p.Val27361fs (NM_001256850.1); c.59809_59810del, p.Val19937fs (NM_003319.4); c.79300_79301del, p.Val26434fs (NM_133378.4); c.60184_60185del, p.Val20062fs (NM_133432.3); c.60385_60386del, p.Val20129fs (NM_133437.4); short protein forms V19937fs, V20062fs, V20129fs, V29002fs, V26434fs, V27361fs.
Identifiers: ClinVar variation 2921896 (VCV002921896.3), dbSNP rs2469571777, ClinGen allele CA2740096009.

ClinVar aggregate classification (germline): Likely pathogenic (1 of 4 stars; one submission).

Conditions:
Dilated cardiomyopathy 1G (CMD1G). Identifiers: Orphanet 154, MedGen C1858763, MONDO:0011400, OMIM 604145.
Autosomal recessive limb-girdle muscular dystrophy type 2J (LGMDR10). Also called: Limb-girdle muscular dystrophy, type 2J; MUSCULAR DYSTROPHY, LIMB-GIRDLE, AUTOSOMAL RECESSIVE 10. Identifiers: Orphanet 140922, MedGen C1837342, MONDO:0012127, OMIM 608807.

Submission:

Labcorp Genetics (formerly Invitae), Labcorp
Classification: Likely pathogenic for Dilated cardiomyopathy 1G; Autosomal recessive limb-girdle muscular dystrophy type 2J. Last evaluated: 2024-01-03. Review status: criteria provided, single submitter. Criteria: Invitae Variant Classification Sherloc (09022015). Collection method: clinical testing. Allele origin: germline.
Comment: This sequence change creates a premature translational stop signal (p.Val29002Phefs*8) in the TTN gene. While this is not anticipated to result in nonsense mediated decay, it is expected to create a truncated TTN protein. This variant is not present in population databases (gnomAD no frequency). This variant has not been reported in the literature in individuals affected with TTN-related conditions. This variant is located in the A band of TTN (PMID: 25589632). Truncating variants in this region are significantly overrepresented in patients affected with dilated cardiomyopathy (PMID: 25589632). Truncating variants in this region have also been reported in individuals affected with autosomal recessive centronuclear myopathy (PMID: 23975875). In summary, the currently available evidence indicates that the variant is pathogenic, but additional data are needed to prove that conclusively. Therefore, this variant has been classified as Likely Pathogenic.

Literature cited by the submitters: PubMed 25589632; PubMed 23975875.